The following is an entry in ClinVar:

Single allele

Genes: TEKT3 (tektin 3; minus strand), TVP23C (trans-golgi network vesicle protein 23 homolog C; minus strand), TVP23C-CDRT4 (TVP23C-CDRT4 readthrough; minus strand), CDRT15 (CMT1A duplicated region transcript 15; minus strand), CDRT4 (CMT1A duplicated region transcript 4; minus strand) and 4 more. Cytogenetic location: 17p12.
Variant type: Duplication.
Identifiers: ClinVar variation 598751 (VCV000598751.3).

ClinVar aggregate classification (germline): Pathogenic (1 of 4 stars; one submission).

Conditions:
Charcot-Marie-Tooth disease, type IA (CMT1A). Also called: CHARCOT-MARIE-TOOTH DISEASE, DEMYELINATING, TYPE 1A; CHARCOT-MARIE-TOOTH DISEASE, AUTOSOMAL DOMINANT, WITH FOCALLY FOLDED MYELIN SHEATHS, TYPE 1A; CHARCOT-MARIE-TOOTH NEUROPATHY, TYPE 1A; HEREDITARY MOTOR AND SENSORY NEUROPATHY IA; Charcot-Marie-Tooth disease type 1A; CMT 1A. Identifiers: Orphanet 101081, MedGen C0270911, MONDO:0007309, OMIM 118220.

Submission:

Undiagnosed Diseases Network, NIH
Classification: Pathogenic for Charcot-Marie-Tooth disease, type IA. Last evaluated: 2018-06-26. Review status: criteria provided, single submitter. Criteria: ACMG Guidelines, 2015. Collection method: clinical testing. Allele origin: de novo. Inheritance: Autosomal dominant inheritance. Affected: yes. Observed: 1 variant allele, 1 heterozygote.
Comment: 1.4Mb pathogenic copy number gain on chromosome 17 at 17p12. Detected by chromosomal microarray.